The following is an entry in ClinVar:

NM_000545.8(HNF1A):c.51C>T (p.Leu17=)

Gene: HNF1A (HNF1 homeobox A; plus strand). Cytogenetic location: 12q24.31.
Variant type: single nucleotide variant.
Coding change: c.51C>T on transcript NM_000545.8 (MANE Select); coding-DNA position 51, C replaced by T.
Protein change: p.Leu17=; no amino-acid change (leucine 17 retained).
Molecular consequence: synonymous variant.
Genome position (GRCh38, 1-based): chr12:120,978,819, C>T. VCF-style: chr12-120978819-C-T. GRCh37 (hg19) VCF-style: chr12-121416622-C-T.
Other names: c.51C>T, p.Leu17= (NM_001306179.2, NM_001406915.1).
Identifiers: ClinVar variation 3030148 (VCV003030148.4), dbSNP rs1169289, ClinGen allele CA482430547.

ClinVar aggregate classification (germline): Likely benign. Review status: criteria provided, single submitter (1 of 4 stars). 2 submissions from 2 submitters: Likely benign (1). 1 of the submissions does not count toward it. Last evaluated 2024-10-28.

Conditions:
HNF1A-related disorder. Also called: HNF1A-related condition.

gnomAD v4.1: 3 of 1,612,824 alleles (0.00019%); highest among the groups gnomAD compares: African/African-American, 0.0013%; no homozygotes.

Submissions (2):

Labcorp Genetics (formerly Invitae), Labcorp
Classification: Likely benign. Last evaluated: 2024-10-28. Review status: criteria provided, single submitter. Criteria: Invitae Variant Classification Sherloc (09022015). Collection method: clinical testing. Allele origin: germline.

PreventionGenetics, part of Exact Sciences
Classification: Likely benign for HNF1A-related condition. Last evaluated: 2021-04-07. Review status: no assertion criteria provided. Collection method: clinical testing. Allele origin: germline. Not counted in ClinVar's aggregate classification.
Comment: This variant is classified as likely benign based on ACMG/AMP sequence variant interpretation guidelines (Richards et al. 2015 PMID: 25741868, with internal and published modifications).